The following is an entry in ClinVar:

ClinVar aggregate classification (germline): Uncertain significance (1 of 4 stars; one submission).

Submission:

Labcorp Genetics (formerly Invitae), Labcorp
Classification: Uncertain significance. Last evaluated: 2019-09-23. Review status: criteria provided, single submitter. Criteria: Invitae Variant Classification Sherloc (09022015). Collection method: clinical testing. Allele origin: germline.
Comment: Algorithms developed to predict the effect of missense changes on protein structure and function are either unavailable or do not agree on the potential impact of this missense change (SIFT: "Deleterious"; PolyPhen-2: "Probably Damaging"; Align-GVGD: "Class C0"). In summary, the available evidence is currently insufficient to determine the role of this variant in disease. Therefore, it has been classified as a Variant of Uncertain Significance. This variant has not been reported in the literature in individuals with NSD1-related conditions. This variant is not present in population databases (ExAC no frequency). This sequence change replaces tyrosine with asparagine at codon 1615 of the NSD1 protein (p.Tyr1615Asn). The tyrosine residue is moderately conserved and there is a large physicochemical difference between tyrosine and asparagine.

NM_022455.5(NSD1):c.4843T>A (p.Tyr1615Asn)

Gene: NSD1 (nuclear receptor binding SET domain protein 1; plus strand). Cytogenetic location: 5q35.3.
Variant type: single nucleotide variant.
Coding change: c.4843T>A on transcript NM_022455.5 (MANE Select); coding-DNA position 4843, T replaced by A.
Protein change: p.Tyr1615Asn; replaces tyrosine 1615 with asparagine.
Molecular consequence: missense variant.
Genome position (GRCh38, 1-based): chr5:177,257,028, T>A. VCF-style: chr5-177257028-T-A. GRCh37 (hg19) VCF-style: chr5-176684029-T-A.
Other names: c.3970T>A, p.Tyr1324Asn (NM_001365684.2, NM_001409308.1, NM_001409309.1 and 1 more transcripts); c.4843T>A, p.Tyr1615Asn (NM_001409301.1, NM_001409302.1, NM_001409303.1); c.4423T>A, p.Tyr1475Asn (NM_001409304.1); c.4090T>A, p.Tyr1364Asn (NM_001409305.1); c.4081T>A, p.Tyr1361Asn (NM_001409306.1, NM_001409307.1); short protein forms Y1346N, Y1615N, Y1364N, Y1475N, Y1324N, Y1361N.
Identifiers: ClinVar variation 957283 (VCV000957283.10), dbSNP rs1756521704, ClinGen allele CA362355323.